The following is an entry in ClinVar:

ClinVar aggregate classification (germline): Uncertain significance (1 of 4 stars; one submission).

Conditions:
Epilepsy. Also called: Seizure disorder. Identifiers: MedGen C0014544, MeSH D004827, MONDO:0005027.

Allele frequency attached by ClinVar (database versions not stated): gnomAD 0.00001; gnomAD exomes 0.00001 and 0.00002; TOPMed 0.00001; ExAC 0.00004; ESP Exome Variant Server 0.00008.
gnomAD v4.1: 22 of 1,608,764 alleles (0.0014%); highest among the groups gnomAD compares: East Asian, 0.0022%; no homozygotes.

Submission:

Labcorp Genetics (formerly Invitae), Labcorp
Classification: Uncertain significance for Epilepsy. Last evaluated: 2024-09-05. Review status: criteria provided, single submitter. Criteria: Invitae Variant Classification Sherloc (09022015). Collection method: clinical testing. Allele origin: germline.
Comment: This sequence change replaces proline, which is neutral and non-polar, with leucine, which is neutral and non-polar, at codon 506 of the PIGQ protein (p.Pro506Leu). This variant is present in population databases (rs146518413, gnomAD 0.004%). This variant has not been reported in the literature in individuals affected with PIGQ-related conditions. ClinVar contains an entry for this variant (Variation ID: 456034). An algorithm developed to predict the effect of missense changes on protein structure and function (PolyPhen-2) suggests that this variant is likely to be disruptive. In summary, the available evidence is currently insufficient to determine the role of this variant in disease. Therefore, it has been classified as a Variant of Uncertain Significance.

NM_004204.5(PIGQ):c.1517C>T (p.Pro506Leu)

Gene: PIGQ (phosphatidylinositol glycan anchor biosynthesis class Q; plus strand). Cytogenetic location: 16p13.3.
Variant type: single nucleotide variant.
Coding change: c.1517C>T on transcript NM_004204.5 (MANE Select); coding-DNA position 1517, C replaced by T.
Protein change: p.Pro506Leu; replaces proline 506 with leucine.
Molecular consequence: missense variant.
Genome position (GRCh38, 1-based): chr16:580,958, C>T. VCF-style: chr16-580958-C-T. GRCh37 (hg19) VCF-style: chr16-630958-C-T.
Other names: c.1517C>T, p.Pro506Leu (NM_148920.4); short protein forms P506L.
Identifiers: ClinVar variation 456034 (VCV000456034.6), dbSNP rs146518413, ClinGen allele CA7780325.